The following is an entry in ClinVar:

ClinVar aggregate classification (germline): Uncertain significance (1 of 4 stars; one submission).

gnomAD v4.1: 7 of 1,613,284 alleles (0.00043%); highest among the groups gnomAD compares: African/African-American, 0.0013%; no homozygotes.

Submission:

GeneDx
Classification: Uncertain significance. Last evaluated: 2024-05-01. Review status: criteria provided, single submitter. Criteria: GeneDx Variant Classification Process June 2021. Collection method: clinical testing. Allele origin: germline. Affected: yes.
Comment: Not observed at significant frequency in large population cohorts (gnomAD); In silico analysis supports that this missense variant has a deleterious effect on protein structure/function; Has not been previously published as pathogenic or benign to our knowledge

NM_014633.5(CTR9):c.1952A>G (p.Asn651Ser)

Gene: CTR9 (CTR9 homolog, Paf1/RNA polymerase II complex component; plus strand). Cytogenetic location: 11p15.4.
Variant type: single nucleotide variant.
Coding change: c.1952A>G on transcript NM_014633.5 (MANE Select); coding-DNA position 1952, A replaced by G.
Protein change: p.Asn651Ser; replaces asparagine 651 with serine.
Molecular consequence: missense variant.
Genome position (GRCh38, 1-based): chr11:10,768,153, A>G. VCF-style: chr11-10768153-A-G. GRCh37 (hg19) VCF-style: chr11-10789700-A-G.
Other names: c.1952A>G, p.Asn651Ser (NM_001346279.2); short protein forms N651S.
Identifiers: ClinVar variation 3375967 (VCV003375967.1).